The following is an entry in ClinVar:

ClinVar aggregate classification (germline): Uncertain significance (1 of 4 stars; one submission).

Conditions:
Axenfeld-Rieger syndrome type 3 (RIEG3). Also called: AXENFELD-RIEGER ANOMALY WITH CARDIAC DEFECTS AND/OR SENSORINEURAL HEARING LOSS. Identifiers: Orphanet 782, MedGen C2678503, MONDO:0011233, OMIM 602482.

Submission:

Labcorp Genetics (formerly Invitae), Labcorp
Classification: Uncertain significance for Axenfeld-Rieger syndrome type 3. Last evaluated: 2026-01-08. Review status: criteria provided, single submitter. Criteria: Invitae Variant Classification Sherloc (09022015). Collection method: clinical testing. Allele origin: germline.
Comment: This sequence change replaces asparagine, which is neutral and polar, with serine, which is neutral and polar, at codon 519 of the FOXC1 protein (p.Asn519Ser). This variant is present in population databases (rs768623877, gnomAD 0.003%). This variant has not been reported in the literature in individuals affected with FOXC1-related conditions. An algorithm developed to predict the effect of missense changes on protein structure and function (PolyPhen-2) suggests that this variant is likely to be disruptive. In summary, the available evidence is currently insufficient to determine the role of this variant in disease. Therefore, it has been classified as a Variant of Uncertain Significance.

NM_001453.3(FOXC1):c.1556A>G (p.Asn519Ser)

Gene: FOXC1 (forkhead box C1; plus strand). Cytogenetic location: 6p25.3.
Variant type: single nucleotide variant.
Coding change: c.1556A>G on transcript NM_001453.3 (MANE Select); coding-DNA position 1556, A replaced by G.
Protein change: p.Asn519Ser; replaces asparagine 519 with serine.
Molecular consequence: missense variant.
Genome position (GRCh38, 1-based): chr6:1,612,001, A>G. VCF-style: chr6-1612001-A-G. GRCh37 (hg19) VCF-style: chr6-1612236-A-G.
Other names: short protein forms N519S.
Identifiers: ClinVar variation 4739921 (VCV004739921.1).
Genomic context (GRCh38, chr6:1,612,001, plus strand): 5'-GCCAGCAGCAGAACTTCCACTCGGTGCGGGAGATGTTCGAGTCACAGAGGATCGGCTTGA[A>G]CAACTCTCCAGTGAACGGGAATAGTAGCTGTCAAATGGCCTTCCCTTCCAGCCAGTCTCT-3'
Protein context (NP_001444.2, residues 509-529): EMFESQRIGL[Asn519Ser]NSPVNGNSSC